The following is an entry in ClinVar:

ClinVar aggregate classification (germline): Uncertain significance. Review status: criteria provided, multiple submitters, no conflicts (2 of 4 stars). 6 submissions from 6 submitters: Uncertain significance (6). Last evaluated 2026-04-04.

Conditions:
Tuberous sclerosis syndrome (TSC). Also called: Tuberous sclerosis; Tuberous Sclerosis Complex. Identifiers: Orphanet 805, MedGen C0041341, MONDO:0001734.
Hereditary cancer-predisposing syndrome. Also called: Neoplastic Syndromes, Hereditary; Tumor predisposition; Hereditary Cancer Syndrome; Hereditary neoplastic syndrome. Identifiers: Orphanet 140162, MedGen C0027672, MeSH D009386, MONDO:0015356.
TSC1-related disorder. Also called: TSC1-related condition.
Isolated focal cortical dysplasia type II (FCORD2). Also called: CORTICAL DYSPLASIA OF TAYLOR; Focal cortical dysplasia type II. Identifiers: Orphanet 268994, MedGen C1846385, MONDO:0011818, OMIM 607341, HP:0032051.
Tuberous sclerosis 1 (TSC1). Identifiers: Orphanet 805, MedGen C1854465, MONDO:0008612, OMIM 191100.

Allele frequency attached by ClinVar (database versions not stated): TOPMed 0.00001.
gnomAD v4.1: 3 of 1,614,064 alleles (0.00019%); highest among the groups gnomAD compares: African/African-American, 0.004%; no homozygotes.

Submissions (6):

PreventionGenetics, part of Exact Sciences
Classification: Uncertain significance for TSC1-related condition. Last evaluated: 2026-04-04. Review status: criteria provided, single submitter. Criteria: ACMG Guidelines, 2015. Collection method: clinical testing. Allele origin: germline.
Comment: The TSC1 c.1808C>G variant is predicted to result in the amino acid substitution p.Pro603Arg. To our knowledge, this variant has not been reported in the literature. This variant is reported in 0.011% of alleles in individuals of African descent in gnomAD and is interpreted as uncertain in ClinVar (Variation ID: 568289). At this time, the clinical significance of this variant is uncertain due to the absence of conclusive functional and genetic evidence.

Labcorp Genetics (formerly Invitae), Labcorp
Classification: Uncertain significance for Tuberous sclerosis 1. Last evaluated: 2025-11-18. Review status: criteria provided, single submitter. Criteria: Invitae Variant Classification Sherloc (09022015). Collection method: clinical testing. Allele origin: germline.
Comment: This sequence change replaces proline, which is neutral and non-polar, with arginine, which is basic and polar, at codon 603 of the TSC1 protein (p.Pro603Arg). This variant is not present in population databases (gnomAD no frequency). This variant has not been reported in the literature in individuals affected with TSC1-related conditions. ClinVar contains an entry for this variant (Variation ID: 568289). Invitae Evidence Modeling of protein sequence and biophysical properties (such as structural, functional, and spatial information, amino acid conservation, physicochemical variation, residue mobility, and thermodynamic stability) indicates that this missense variant is not expected to disrupt TSC1 protein function with a negative predictive value of 95%. In summary, the available evidence is currently insufficient to determine the role of this variant in disease. Therefore, it has been classified as a Variant of Uncertain Significance.

Ambry Genetics
Classification: Uncertain significance for Hereditary cancer-predisposing syndrome. Last evaluated: 2025-08-02. Review status: criteria provided, single submitter. Criteria: Ambry Variant Classification Scheme 2023. Collection method: clinical testing. Allele origin: germline.
Comment: The p.P603R variant (also known as c.1808C>G), located in coding exon 13 of the TSC1 gene, results from a C to G substitution at nucleotide position 1808. The proline at codon 603 is replaced by arginine, an amino acid with dissimilar properties. This amino acid position is well conserved in available vertebrate species. In addition, the in silico prediction for this alteration is inconclusive. Since supporting evidence is limited at this time, the clinical significance of this alteration remains unclear.

GeneDx
Classification: Uncertain significance. Last evaluated: 2025-02-14. Review status: criteria provided, single submitter. Criteria: GeneDx Variant Classification Process June 2021. Collection method: clinical testing. Allele origin: germline. Affected: yes.
Comment: Has not been previously published as pathogenic or benign to our knowledge; In silico analysis supports that this missense variant has a deleterious effect on protein structure/function

All of Us Research Program, National Institutes of Health
Classification: Uncertain significance for Tuberous sclerosis syndrome. Last evaluated: 2024-07-29. Review status: criteria provided, single submitter. Criteria: ACMG Guidelines, 2015. Collection method: clinical testing. Allele origin: germline. Inheritance: Autosomal dominant inheritance. Observed: 1 variant allele, 1 heterozygote.
Comment: This missense variant replaces proline with arginine at codon 603 of the TSC1 protein. Computational prediction is inconclusive regarding the impact of this variant on protein structure and function. To our knowledge, functional studies have not been reported for this variant. This variant has not been reported in individuals affected with TSC1-related disorders in the literature. This variant has not been identified in the general population by the Genome Aggregation Database (gnomAD). The available evidence is insufficient to determine the role of this variant in disease conclusively. Therefore, this variant is classified as a Variant of Uncertain Significance.

This study involves interpretation of variants in research participants for the purpose of population health screening. Participant phenotype was not available at the time of variant classification. Additional details can be found in publication PMID: 35346344, PMCID: PMC8962531

Baylor Genetics
Classification: Uncertain significance for Isolated focal cortical dysplasia type II. Last evaluated: 2023-06-29. Review status: criteria provided, single submitter. Criteria: ACMG Guidelines, 2015. Collection method: clinical testing. Allele origin: unknown.

NM_000368.5(TSC1):c.1808C>G (p.Pro603Arg)

Gene: TSC1 (TSC complex subunit 1; minus strand). Cytogenetic location: 9q34.13.
Variant type: single nucleotide variant.
Coding change: c.1808C>G on transcript NM_000368.5 (MANE Select); coding-DNA position 1808, C replaced by G.
Protein change: p.Pro603Arg; replaces proline 603 with arginine.
Molecular consequence: missense variant.
Genome position (GRCh38, 1-based): chr9:132,905,770, G>C on the plus strand (C>G on the coding strand, the complement: TSC1 is on the minus strand). VCF-style: chr9-132905770-G-C. GRCh37 (hg19) VCF-style: chr9-135781157-G-C.
Other names: c.1805C>G, p.Pro602Arg (NM_001162426.2); c.1655C>G, p.Pro552Arg (NM_001162427.2); c.1445C>G, p.Pro482Arg (NM_001362177.2); short protein forms P603R, P552R, P602R, P482R.
Identifiers: ClinVar variation 568289 (VCV000568289.16), dbSNP rs751247705, ClinGen allele CA200888367.